The following is an entry in ClinVar:

NM_000051.4(ATM):c.7495G>T (p.Glu2499Ter)

Genes: ATM (ATM serine/threonine kinase; plus strand), C11orf65 (chromosome 11 open reading frame 65; minus strand). Cytogenetic location: 11q22.3.
Variant type: single nucleotide variant.
Coding change: c.7495G>T on transcript NM_000051.4 (MANE Select); coding-DNA position 7495, G replaced by T.
Protein change: p.Glu2499Ter; replaces glutamic acid 2499 with a stop codon.
Molecular consequence: nonsense. On other transcripts: intron variant (2).
Genome position (GRCh38, 1-based): chr11:108,330,401, G>T. VCF-style: chr11-108330401-G-T. GRCh37 (hg19) VCF-style: chr11-108201128-G-T.
Other names: c.7495G>T, p.Glu2499Ter (NM_001351834.2); c.641-21330C>A (NM_001330368.2); c.*38+4819C>A (NM_001351110.2); short protein forms E2499*.
Identifiers: ClinVar variation 1457304 (VCV001457304.7), dbSNP rs2136463344, ClinGen allele CA382560544.

ClinVar aggregate classification (germline): Pathogenic. Review status: criteria provided, multiple submitters, no conflicts (2 of 4 stars). 3 submissions from 3 submitters: Pathogenic (3). Last evaluated 2025-09-25.

Conditions:
Familial cancer of breast. Also called: BREAST CANCER, FAMILIAL; Hereditary breast cancer; hereditary breast carcinoma. Identifiers: Orphanet 227535, MedGen C0346153, MONDO:0016419, OMIM 114480. Disease mechanism: loss of function.
Ataxia-telangiectasia syndrome (AT). Also called: Ataxia-telangiectasia; LOUIS-BAR SYNDROME; Ataxia-telangiectasia, complementation group D; AT, COMPLEMENTATION GROUP C; ATAXIA-TELANGIECTASIA, COMPLEMENTATION GROUP A; ATAXIA-TELANGIECTASIA, FRESNO VARIANT. Identifiers: Orphanet 100, MedGen C0004135, MONDO:0008840, OMIM 208900.
Hereditary cancer-predisposing syndrome. Also called: Tumor predisposition; Neoplastic Syndromes, Hereditary; Hereditary Cancer Syndrome; Hereditary neoplastic syndrome. Identifiers: Orphanet 140162, MedGen C0027672, MeSH D009386, MONDO:0015356.

Submissions (3):

Ambry Genetics
Classification: Pathogenic for Hereditary cancer-predisposing syndrome. Last evaluated: 2025-09-25. Review status: criteria provided, single submitter. Criteria: Ambry Variant Classification Scheme 2023. Collection method: clinical testing. Allele origin: germline.
Comment: The p.E2499* pathogenic mutation (also known as c.7495G>T), located in coding exon 49 of the ATM gene, results from a G to T substitution at nucleotide position 7495. This changes the amino acid from a glutamic acid to a stop codon within coding exon 49. This variant is considered to be rare based on population cohorts in the Genome Aggregation Database (gnomAD). This alteration is expected to result in loss of function by premature protein truncation or nonsense-mediated mRNA decay. As such, this alteration is interpreted as a disease-causing mutation.

Myriad Genetics, Inc.
Classification: Pathogenic for Familial cancer of breast. Last evaluated: 2024-01-31. Review status: criteria provided, single submitter. Criteria: Myriad Autosomal Dominant, Autosomal Recessive and X-Linked Classification Criteria (2023). Collection method: clinical testing. Allele origin: unknown.
Comment: This variant is considered pathogenic. This variant creates a termination codon and is predicted to result in premature protein truncation.

Labcorp Genetics (formerly Invitae), Labcorp
Classification: Pathogenic for Ataxia-telangiectasia syndrome. Last evaluated: 2021-04-24. Review status: criteria provided, single submitter. Criteria: Invitae Variant Classification Sherloc (09022015). Collection method: clinical testing. Allele origin: germline.
Comment: For these reasons, this variant has been classified as Pathogenic. This variant has not been reported in the literature in individuals with ATM-related conditions. This variant is not present in population databases (ExAC no frequency). This sequence change creates a premature translational stop signal (p.Glu2499*) in the ATM gene. It is expected to result in an absent or disrupted protein product. Loss-of-function variants in ATM are known to be pathogenic (PMID: 23807571, 25614872).

Literature cited by the submitters: PubMed 23807571 (cited by Labcorp Genetics (formerly Invitae), Labcorp); PubMed 25614872 (cited by Labcorp Genetics (formerly Invitae), Labcorp).